The following is an entry in ClinVar:

NM_003872.3(NRP2):c.2497A>G (p.Ser833Gly)

Gene: NRP2 (neuropilin 2; plus strand). Cytogenetic location: 2q33.3.
Variant type: single nucleotide variant.
Coding change: c.2497A>G on transcript NM_003872.3 (MANE Select); coding-DNA position 2497, A replaced by G.
Protein change: p.Ser833Gly; replaces serine 833 with glycine.
Molecular consequence: missense variant.
Genome position (GRCh38, 1-based): chr2:205,794,774, A>G. VCF-style: chr2-205794774-A-G. GRCh37 (hg19) VCF-style: chr2-206659498-A-G.
Other names: c.2512A>G, p.Ser838Gly (NM_201266.2); c.2446A>G, p.Ser816Gly (NM_201279.2); short protein forms S816G, S833G, S838G.
Identifiers: ClinVar variation 3355644 (VCV003355644.1).
Genomic context (GRCh38, chr2:205,794,774, plus strand): 5'-GGCAGTGCCTGCAATCTCTCATGAATTTTATGTATCGCAGATGAATACGAGGTGGACTGG[A>G]GCAATTCTTCTTCTGCAACCTCAGGGTCTGGCGCCCCCTCGACCGACAAAGAAAAGAGCT-3'
Protein context (NP_003863.2, residues 823-843): EIDDEYEVDW[Ser833Gly]NSSSATSGSG

ClinVar aggregate classification (germline): Uncertain significance (0 of 4 stars; one submission).

Conditions:
NRP2-related disorder. Also called: NRP2-related condition.

Submission:

PreventionGenetics, part of Exact Sciences
Classification: Uncertain significance for NRP2-related condition. Last evaluated: 2024-03-07. Review status: no assertion criteria provided. Collection method: clinical testing. Allele origin: germline.
Comment: The NRP2 c.2512A>G variant is predicted to result in the amino acid substitution p.Ser838Gly. To our knowledge, this variant has not been reported in the literature or in a large population database, indicating this variant is rare. At this time, the clinical significance of this variant is uncertain due to the absence of conclusive functional and genetic evidence.